The following is an entry in ClinVar:

ClinVar aggregate classification (germline): Pathogenic (1 of 4 stars; one submission).

Conditions:
Hypotrichosis 6 (HYPT6). Also called: MONILETHRIX-LIKE HYPOTRICHOSIS; HYPOTRICHOSIS, LOCALIZED, AUTOSOMAL RECESSIVE 1. Identifiers: Orphanet 55654, MedGen C1842839, MONDO:0011932, OMIM 607903.

Submission:

Juno Genomics, Hangzhou Juno Genomics, Inc
Classification: Pathogenic for Hypotrichosis 6. Review status: criteria provided, single submitter. Criteria: ACMG Guidelines, 2015. Collection method: clinical testing. Allele origin: germline. Affected: yes.
Comment: Absent from controls (or at extremely low frequency if recessive) in Genome Aggregation Database, Exome Sequencing Project, 1000 Genomes Project, or Exome Aggregation Consortium.;Null variant in a gene where loss of function (LOF) is a known mechanism of disease.;For recessive disorders, detected in trans with a pathogenic variant.

NM_177986.5(DSG4):c.624del (p.Met208fs)

Genes: DSG1-AS1 (DSG1 antisense RNA 1; minus strand), DSG4 (desmoglein 4; plus strand). Cytogenetic location: 18q12.1.
Variant type: Deletion.
Coding change: c.624del on transcript NM_177986.5 (MANE Select); coding-DNA position 624, one base deleted (G; older notation c.624delG).
Protein change: p.Met208fs; shifts the reading frame from methionine 208.
Molecular consequence: frameshift variant.
Genome position (GRCh38, 1-based): chr18:31,390,762, G deleted. VCF-style (leftmost placement, unchanged base first): chr18-31390761-TG-T. GRCh37 (hg19) VCF-style: chr18-28970724-TG-T.
Other names: c.624del, p.Met208fs (NM_001134453.3); short protein forms M208fs.
Identifiers: ClinVar variation 4072429 (VCV004072429.2).